The following is an entry in ClinVar:

NM_001042681.2(RERE):c.3914G>T (p.Arg1305Leu)

Gene: RERE (arginine-glutamic acid dipeptide repeats; minus strand). Cytogenetic location: 1p36.23.
Variant type: single nucleotide variant.
Coding change: c.3914G>T on transcript NM_001042681.2 (MANE Select); coding-DNA position 3914, G replaced by T.
Protein change: p.Arg1305Leu; replaces arginine 1305 with leucine.
Molecular consequence: missense variant.
Genome position (GRCh38, 1-based): chr1:8,358,621, C>A on the plus strand (G>T on the coding strand, the complement: RERE is on the minus strand). VCF-style: chr1-8358621-C-A. GRCh37 (hg19) VCF-style: chr1-8418681-C-A.
Other names: c.2252G>T, p.Arg751Leu (NM_001042682.2); c.3914G>T, p.Arg1305Leu (NM_012102.4); short protein forms R1305L, R751L.
Identifiers: ClinVar variation 1959905 (VCV001959905.5), dbSNP rs1168321610, ClinGen allele CA338169585.

ClinVar aggregate classification (germline): Uncertain significance (1 of 4 stars; one submission).

gnomAD v4.1: 1 of 1,591,562 alleles (0.000063%); highest among the groups gnomAD compares: Admixed American, 0.0018%; no homozygotes.

Submission:

Labcorp Genetics (formerly Invitae), Labcorp
Classification: Uncertain significance. Last evaluated: 2022-07-31. Review status: criteria provided, single submitter. Criteria: Invitae Variant Classification Sherloc (09022015). Collection method: clinical testing. Allele origin: germline.
Comment: This variant is not present in population databases (gnomAD no frequency). This sequence change replaces arginine, which is basic and polar, with leucine, which is neutral and non-polar, at codon 1305 of the RERE protein (p.Arg1305Leu). This variant has not been reported in the literature in individuals affected with RERE-related conditions. In summary, the available evidence is currently insufficient to determine the role of this variant in disease. Therefore, it has been classified as a Variant of Uncertain Significance. Algorithms developed to predict the effect of missense changes on protein structure and function are either unavailable or do not agree on the potential impact of this missense change (SIFT: "Deleterious"; PolyPhen-2: "Not Available"; Align-GVGD: "Class C0").